The following is an entry in ClinVar:

NM_000089.4(COL1A2):c.3879G>T (p.Gln1293His)

Gene: COL1A2 (collagen type I alpha 2 chain; plus strand). Cytogenetic location: 7q21.3.
Variant type: single nucleotide variant.
Coding change: c.3879G>T on transcript NM_000089.4 (MANE Select); coding-DNA position 3879, G replaced by T.
Protein change: p.Gln1293His; replaces glutamine 1293 with histidine.
Molecular consequence: missense variant.
Genome position (GRCh38, 1-based): chr7:94,429,355, G>T. VCF-style: chr7-94429355-G-T. GRCh37 (hg19) VCF-style: chr7-94058667-G-T.
Other names: short protein forms Q1293H.
Identifiers: ClinVar variation 848794 (VCV000848794.9), dbSNP rs1214506904, ClinGen allele CA368226951.

ClinVar aggregate classification (germline): Uncertain significance (1 of 4 stars; one submission).

Conditions:
Osteogenesis imperfecta type I (OI1). Also called: Lobstein's Disease; Classic Non-deforming Osteogenesis Imperfecta with Blue Sclerae; Lobstein disease; OI, TYPE I; OSTEOGENESIS IMPERFECTA TARDA; OSTEOGENESIS IMPERFECTA WITH BLUE SCLERAE. Identifiers: Orphanet 216796, Orphanet 666, MedGen C0023931, MONDO:0008146, OMIM 166200. Disease mechanism: loss of function.
Ehlers-Danlos syndrome, classic type, 1 (EDSCL1). Also called: Ehlers-Danlos syndrome, type 1; Ehlers-Danlos Syndrome, Classic Type, COL5A1-Related; EDS I; EHLERS-DANLOS SYNDROME, GRAVIS TYPE; EHLERS-DANLOS SYNDROME, SEVERE CLASSIC TYPE. Identifiers: MedGen C0268335, MONDO:0019567, OMIM 130000.

Allele frequency attached by ClinVar (database versions not stated): gnomAD exomes 0.00001; TOPMed 0.00003.
gnomAD v4.1: 20 of 1,613,964 alleles (0.0012%); highest among the groups gnomAD compares: Non-Finnish European, 0.0017%; no homozygotes.

Submission:

Labcorp Genetics (formerly Invitae), Labcorp
Classification: Uncertain significance for Osteogenesis imperfecta type I; Ehlers-Danlos syndrome, classic type, 1. Last evaluated: 2025-10-15. Review status: criteria provided, single submitter. Criteria: Invitae Variant Classification Sherloc (09022015). Collection method: clinical testing. Allele origin: germline.
Comment: This sequence change replaces glutamine, which is neutral and polar, with histidine, which is basic and polar, at codon 1293 of the COL1A2 protein (p.Gln1293His). This variant is present in population databases (no rsID available, gnomAD 0.002%). This variant has not been reported in the literature in individuals affected with COL1A2-related conditions. ClinVar contains an entry for this variant (Variation ID: 848794). Invitae Evidence Modeling of protein sequence and biophysical properties (such as structural, functional, and spatial information, amino acid conservation, physicochemical variation, residue mobility, and thermodynamic stability) has been performed for this missense variant. However, the output from this modeling did not meet the statistical confidence thresholds required to predict the impact of this variant on COL1A2 protein function. In summary, the available evidence is currently insufficient to determine the role of this variant in disease. Therefore, it has been classified as a Variant of Uncertain Significance.